The following is an entry in ClinVar:

NM_000264.5(PTCH1):c.*1905C>G

Gene: PTCH1 (patched 1; minus strand). Cytogenetic location: 9q22.32.
Variant type: single nucleotide variant.
Coding change: c.*1905C>G on transcript NM_000264.5 (MANE Select); 1905 bases downstream of the stop codon, C replaced by G.
Molecular consequence: 3 prime UTR variant. On other transcripts: non-coding transcript variant (1).
Genome position (GRCh38, 1-based): chr9:95,444,488, G>C on the plus strand (C>G on the coding strand, the complement: PTCH1 is on the minus strand). VCF-style: chr9-95444488-G-C. GRCh37 (hg19) VCF-style: chr9-98206770-G-C.
Other names: c.*1905C>G (NM_001083602.3, NM_001083603.3, NM_001083604.3 and 4 more transcripts).
Identifiers: ClinVar variation 367632 (VCV000367632.6), dbSNP rs113213198, ClinGen allele CA10627728.

ClinVar aggregate classification (germline): Benign. Review status: criteria provided, multiple submitters, no conflicts (2 of 4 stars). 3 submissions from 2 submitters: Benign (3). Last evaluated 2018-01-12.

Conditions:
Holoprosencephaly 7 (HPE7). Identifiers: Orphanet 2162, MedGen C1835820, MONDO:0012562, OMIM 610828.
Gorlin syndrome. Also called: Basal cell nevus syndrome; Nevoid Basal Cell Carcinoma Syndrome. Identifiers: Orphanet 377, MedGen C0004779, MONDO:0007187.

Allele frequency attached by ClinVar (database versions not stated): gnomAD exomes 0.00192; gnomAD 0.04347 and 0.04659; TOPMed 0.04943.
gnomAD v4.1: 6,454 of 152,120 alleles (4.2%); highest among the groups gnomAD compares: African/African-American, 15%; 489 homozygotes.

Submissions (3):

Illumina Laboratory Services, Illumina
Classification: Benign for Basal cell nevus syndrome 1. Last evaluated: 2018-01-12. Review status: criteria provided, single submitter. Criteria: ICSL Variant Classification Criteria 13 December 2019. Collection method: clinical testing. Allele origin: germline.
Comment: This variant was observed in the ICSL laboratory as part of a predisposition screen in an ostensibly healthy population. It had not been previously curated by ICSL or reported in the Human Gene Mutation Database (HGMD: prior to June 1st, 2018), and was therefore a candidate for classification through an automated scoring system. Utilizing variant allele frequency, disease prevalence and penetrance estimates, and inheritance mode, an automated score was calculated to assess if this variant is too frequent to cause the disease. Based on the score and internal cut-off values, a variant classified as benign is not then subjected to further curation. The score for this variant resulted in a classification of benign for this disease.

Illumina Laboratory Services, Illumina
Classification: Benign for Holoprosencephaly 7. Last evaluated: 2018-01-12. Review status: criteria provided, single submitter. Criteria: ICSL Variant Classification Criteria 13 December 2019. Collection method: clinical testing. Allele origin: germline.
Comment: the same text as in the submission from Illumina Laboratory Services, Illumina above.

Breakthrough Genomics
Classification: Benign. Review status: criteria provided, single submitter. Criteria: ACMG Guidelines, 2015. Collection method: not provided. Allele origin: germline. Inheritance: Autosomal dominant inheritance. Affected: yes.